The following is an entry in ClinVar:

NM_005733.3(KIF20A):c.1027+1G>A

Gene: KIF20A (kinesin family member 20A; plus strand). Cytogenetic location: 5q31.2.
Variant type: single nucleotide variant.
Coding change: c.1027+1G>A on transcript NM_005733.3 (MANE Select); the canonical splice donor site of the intron after coding-DNA position 1027, G replaced by A.
Molecular consequence: splice donor variant.
Genome position (GRCh38, 1-based): chr5:138,183,364, G>A. VCF-style: chr5-138183364-G-A. GRCh37 (hg19) VCF-style: chr5-137519053-G-A.
Identifiers: ClinVar variation 3727476 (VCV003727476.2).
Genomic context (GRCh38, chr5:138,183,364, plus strand): 5'-AGCGCAAGAGGCAGACTTTGCGGCTATGCGAGGATCAAAATGGCAATCCCTATGTGAAAG[G>A]TAAAGGAACATGGGGAAAGCTGGCATGAACCCTGGAGGGCAACTGGGGAGAGACTGGCAA-3'

ClinVar aggregate classification (germline): Uncertain significance (1 of 4 stars; one submission).

gnomAD v4.1: 1 of 1,613,974 alleles (0.000062%); highest among the groups gnomAD compares: African/African-American, 0.0013%; no homozygotes.

Submission:

Labcorp Genetics (formerly Invitae), Labcorp
Classification: Uncertain significance. Last evaluated: 2024-12-17. Review status: criteria provided, single submitter. Criteria: Invitae Variant Classification Sherloc (09022015). Collection method: clinical testing. Allele origin: germline.
Comment: This sequence change affects a donor splice site in intron 8 of the KIF20A gene. It is expected to disrupt RNA splicing. Variants that disrupt the donor or acceptor splice site typically lead to a loss of protein function (PMID: 16199547), however the current clinical and genetic evidence is not sufficient to establish whether loss-of-function variants in KIF20A cause disease. This variant is not present in population databases (gnomAD no frequency). This variant has not been reported in the literature in individuals affected with KIF20A-related conditions. Experimental studies and prediction algorithms are not available or were not evaluated, and the functional significance of this variant is currently unknown. Algorithms developed to predict the effect of sequence changes on RNA splicing suggest that this variant may disrupt the consensus splice site. In summary, the available evidence is currently insufficient to determine the role of this variant in disease. Therefore, it has been classified as a Variant of Uncertain Significance.

Literature cited by the submitters: PubMed 16199547.